The following is an entry in ClinVar:

NM_000744.7(CHRNA4):c.581T>G (p.Met194Arg)

Gene: CHRNA4 (cholinergic receptor nicotinic alpha 4 subunit; minus strand). Cytogenetic location: 20q13.33.
Variant type: single nucleotide variant.
Coding change: c.581T>G on transcript NM_000744.7 (MANE Select); coding-DNA position 581, T replaced by G.
Protein change: p.Met194Arg; replaces methionine 194 with arginine.
Molecular consequence: missense variant. On other transcripts: non-coding transcript variant (1).
Genome position (GRCh38, 1-based): chr20:63,350,830, A>C on the plus strand (T>G on the coding strand, the complement: CHRNA4 is on the minus strand). VCF-style: chr20-63350830-A-C. GRCh37 (hg19) VCF-style: chr20-61982182-A-C.
Other names: c.53T>G, p.Met18Arg (NM_001256573.2); short protein forms M18R, M194R.
Identifiers: ClinVar variation 4228454 (VCV004228454.1).

ClinVar aggregate classification (germline): Uncertain significance (1 of 4 stars; one submission).

Conditions:
Inborn genetic diseases. Identifiers: MedGen C0950123, MeSH D030342.

Submission:

Ambry Genetics
Classification: Uncertain significance for Inborn genetic diseases. Last evaluated: 2025-08-08. Review status: criteria provided, single submitter. Criteria: Ambry Variant Classification Scheme 2023. Collection method: clinical testing. Allele origin: germline.
Comment: The c.581T>G (p.M194R) alteration is located in exon 5 (coding exon 5) of the CHRNA4 gene. This alteration results from a T to G substitution at nucleotide position 581, causing the methionine (M) at amino acid position 194 to be replaced by an arginine (R). This variant was not reported in population-based cohorts in the Genome Aggregation Database (gnomAD). This amino acid position is well conserved in available vertebrate species. This alteration is predicted to be deleterious by in silico analysis. Based on insufficient or conflicting evidence, the clinical significance of this alteration remains unclear.